The following is an entry in ClinVar:

ClinVar aggregate classification (germline): Conflicting classifications of pathogenicity. Review status: criteria provided, conflicting classifications (1 of 4 stars). 10 submissions from 10 submitters: Likely pathogenic (4); Uncertain significance (5). 1 of the submissions does not count toward it. Last evaluated 2026-06-23.

Conditions:
Very long chain acyl-CoA dehydrogenase deficiency (ACADVLD). Also called: VLCAD Deficiency; Very Long-Chain Acyl-Coenzyme A Dehydrogenase Deficiency. Identifiers: Orphanet 26793, MedGen C3887523, MONDO:0008723, OMIM 201475.

Allele frequency attached by ClinVar (database versions not stated): TOPMed below 0.00001.
gnomAD v4.1: 33 of 1,613,806 alleles (0.002%); highest among the groups gnomAD compares: Non-Finnish European, 0.0027%; no homozygotes.

Submissions (10):

Myriad Genetics, Inc.
Classification: Uncertain significance for Very long chain acyl-CoA dehydrogenase deficiency. Last evaluated: 2026-06-23. Review status: criteria provided, single submitter. Criteria: Myriad Autosomal Dominant, Autosomal Recessive and X-Linked Classification Criteria (2023). Collection method: clinical testing. Allele origin: unknown.
Comment: NM_000018.3(ACADVL):c.1616C>A(A539D) is a missense variant classified as a variant of uncertain significance in the context of very-long-chain acyl-CoA dehydrogenase deficiency. A539D has been observed in cases with relevant disease (PMID: 33610471, no PMID_Olpin_2017)). Relevant functional assessments of this variant are not available in the literature. A539D has been observed in referenced population frequency databases. In summary, there is insufficient evidence to classify NM_000018.3(ACADVL):c.1616C>A(A539D) as pathogenic or benign. Please note: this variant was assessed in the context of healthy population screening.

Labcorp Genetics (formerly Invitae), Labcorp
Classification: Likely pathogenic for Very long chain acyl-CoA dehydrogenase deficiency. Last evaluated: 2025-12-19. Review status: criteria provided, single submitter. Criteria: Invitae Variant Classification Sherloc (09022015). Collection method: clinical testing. Allele origin: germline.
Comment: This sequence change replaces alanine, which is neutral and non-polar, with aspartic acid, which is acidic and polar, at codon 539 of the ACADVL protein (p.Ala539Asp). This variant is present in population databases (no rsID available, gnomAD 0.002%). This missense change has been observed in individual(s) with very long-chain acyl-CoA dehydrogenase deficiency (PMID: 27943070). ClinVar contains an entry for this variant (Variation ID: 617951). Invitae Evidence Modeling of protein sequence and biophysical properties (such as structural, functional, and spatial information, amino acid conservation, physicochemical variation, residue mobility, and thermodynamic stability) indicates that this missense variant is not expected to disrupt ACADVL protein function with a negative predictive value of 80%. In summary, the currently available evidence indicates that the variant is pathogenic, but additional data are needed to prove that conclusively. Therefore, this variant has been classified as Likely Pathogenic.

Women's Health and Genetics/Laboratory Corporation of America, LabCorp
Classification: Likely pathogenic for Very long chain acyl-CoA dehydrogenase deficiency. Last evaluated: 2025-09-11. Review status: criteria provided, single submitter. Criteria: LabCorp Variant Classification Summary - May 2015. Collection method: clinical testing. Allele origin: germline.
Comment: Variant summary: ACADVL c.1616C>A (p.Ala539Asp) results in a non-conservative amino acid change located in the ACAD9/ACADV-like, C-terminal domain (IPR049448) of the encoded protein sequence. Algorithms developed to predict the effect of missense changes on protein structure and function all suggest that this variant is likely to be disruptive. The variant allele was found at a frequency of 8e-06 in 250796 control chromosomes. c.1616C>A has been observed in at least two compound heterozygous individuals affected with Very Long Chain Acyl-CoA Dehydrogenase Deficiency (example: Bouvier_2017, Olpin_2017). These data indicate that the variant may be associated with disease. To our knowledge, no experimental evidence demonstrating an impact on protein function has been reported. The following publications have been ascertained in the context of this evaluation (PMID: 27943070, 26385305). ClinVar contains an entry for this variant (Variation ID: 617951). Based on the evidence outlined above, the variant was classified as likely pathogenic.

Blueprint Genetics
Classification: Uncertain significance. Last evaluated: 2023-10-13. Review status: criteria provided, single submitter. Criteria: ACMG Guidelines, 2015. Collection method: clinical testing. Allele origin: germline.

GeneDx
Classification: Uncertain significance. Last evaluated: 2021-09-14. Review status: criteria provided, single submitter. Criteria: GeneDx Variant Classification Process June 2021. Collection method: clinical testing. Allele origin: germline. Affected: yes.
Comment: In silico analysis, which includes protein predictors and evolutionary conservation, supports a deleterious effect; Not observed at significant frequency in large population cohorts (Lek et al., 2016); This variant is associated with the following publications: (PMID: 27943070, 33610471)

Revvity Omics, Revvity
Classification: Likely pathogenic for Very long chain acyl-CoA dehydrogenase deficiency. Last evaluated: 2021-07-13. Review status: criteria provided, single submitter. Criteria: ACMG Guidelines, 2015. Collection method: clinical testing. Allele origin: germline.

Wong Mito Lab, Molecular and Human Genetics, Baylor College of Medicine
Classification: Uncertain significance for Very long chain acyl-CoA dehydrogenase deficiency. Last evaluated: 2019-11-01. Review status: criteria provided, single submitter. Criteria: ACMG Guidelines, 2015. Collection method: clinical testing. Allele origin: germline.
Comment: The NM_000018.3:c.1616C>A (NP_000009.1:p.Ala539Asp) [GRCH38: NC_000017.11:g.7224490C>A] variant in ACADVL gene is interpretated to be Uncertain Significance based on ACMG guidelines (PMID: 25741868). This variant has been reported. This variant meets the following evidence codes reported in the ACMG guidelines: PM3, BP4

ARUP Laboratories, Molecular Genetics and Genomics, ARUP Laboratories
Classification: Uncertain significance for Very long chain acyl-CoA dehydrogenase deficiency. Last evaluated: 2019-09-14. Review status: criteria provided, single submitter. Criteria: ARUP Molecular Germline Variant Investigation Process. Collection method: clinical testing. Allele origin: germline.
Comment: The ACADVL1 c.1616C>A; p.Ala539Asp variant (rs781613690) is described in the medical literature in two individuals with a positive newborn screen for VLCAD, and both individuals carried an additional pathogenic ACADVL variant (Olpin 2017). Cell lines developed from these individuals showed reduced fatty acid flux (Olpin 2017). This variant is reported in ClinVar (Variation ID: 617951), and is only observed on two alleles in the Genome Aggregation Database, indicating it is not a common polymorphism. The alanine at codon 539 is highly conserved, and computational analyses (SIFT: tolerated, PolyPhen-2: probably damaging) predict conflicting effects of this variant on protein structure/function. Although there is information indicating the variant may be deleterious, there is insufficient evidence to classify it as pathogenic at this time. Therefore, the variant is considered to be of uncertain clinical significance. References: Olpin SE et al. Fibroblast Fatty-Acid Oxidation Flux Assays Stratify Risk in Newborns with Presumptive-Positive Results on Screening for Very-Long Chain Acyl-CoA Dehydrogenase Deficiency. Int J Neonat Screen. 2017. 3(1), 2.

Molecular Genetics Lab, CHRU Brest
Classification: Likely pathogenic for Very long chain acyl-CoA dehydrogenase deficiency. Review status: criteria provided, single submitter. Criteria: ACMG Guidelines, 2015. Collection method: clinical testing. Allele origin: inherited. Affected: yes.

Natera, Inc.
Classification: Uncertain significance for Very long chain acyl-CoA dehydrogenase deficiency. Last evaluated: 2020-10-05. Review status: no assertion criteria provided. Collection method: clinical testing. Allele origin: germline. Not counted in ClinVar's aggregate classification.

Literature cited by the submitters: PubMed 27943070 (cited by Labcorp Genetics (formerly Invitae), Labcorp and Women's Health and Genetics/Laboratory Corporation of America, LabCorp); PubMed 26385305 (cited by Women's Health and Genetics/Laboratory Corporation of America, LabCorp).

NM_000018.4(ACADVL):c.1616C>A (p.Ala539Asp)

Gene: ACADVL (acyl-CoA dehydrogenase very long chain; plus strand). Cytogenetic location: 17p13.1.
Variant type: single nucleotide variant.
Coding change: c.1616C>A on transcript NM_000018.4 (MANE Select); coding-DNA position 1616, C replaced by A.
Protein change: p.Ala539Asp; replaces alanine 539 with aspartic acid.
Molecular consequence: missense variant.
Genome position (GRCh38, 1-based): chr17:7,224,490, C>A. VCF-style: chr17-7224490-C-A. GRCh37 (hg19) VCF-style: chr17-7127809-C-A.
Other names: c.1616C>A (NM_000018.2); c.1550C>A, p.Ala517Asp (NM_001033859.3); c.1685C>A, p.Ala562Asp (NM_001270447.2); c.1388C>A, p.Ala463Asp (NM_001270448.2); short protein forms A463D, A539D, A562D, A517D.
Identifiers: ClinVar variation 617951 (VCV000617951.33), dbSNP rs781613690, ClinGen allele CA397725496.